The following is an entry in ClinVar:

NM_001830.4(CLCN4):c.1906G>A (p.Val636Met)

Gene: CLCN4 (chloride voltage-gated channel 4; plus strand). Cytogenetic location: Xp22.2.
Variant type: single nucleotide variant.
Coding change: c.1906G>A on transcript NM_001830.4 (MANE Select); coding-DNA position 1906, G replaced by A.
Protein change: p.Val636Met; replaces valine 636 with methionine.
Molecular consequence: missense variant.
Genome position (GRCh38, 1-based): chrX:10,214,010, G>A. VCF-style: chrX-10214010-G-A. GRCh37 (hg19) VCF-style: chrX-10182050-G-A.
Other names: c.1624G>A, p.Val542Met (NM_001256944.2); short protein forms V542M, V636M.
Identifiers: ClinVar variation 1064842 (VCV001064842.2), dbSNP rs771033388, ClinGen allele CA326601341.

ClinVar aggregate classification (germline): Uncertain significance. Review status: criteria provided, multiple submitters, no conflicts (2 of 4 stars). 2 submissions from 2 submitters: Uncertain significance (2). Last evaluated 2025-08-19.

Conditions:
Inborn genetic diseases. Identifiers: MedGen C0950123, MeSH D030342.
Neurodevelopmental disorder. Identifiers: MedGen C1535926, MeSH D065886, MONDO:0700092.

gnomAD v4.1: 1 of 1,208,752 alleles (0.000083%); highest among the groups gnomAD compares: Non-Finnish European, 0.00011%; no homozygotes.

Submissions (2):

Ambry Genetics
Classification: Uncertain significance for Inborn genetic diseases. Last evaluated: 2025-08-19. Review status: criteria provided, single submitter. Criteria: Ambry Variant Classification Scheme 2023. Collection method: clinical testing. Allele origin: germline.
Comment: The c.1906G>A (p.V636M) alteration is located in exon 11 (coding exon 9) of the CLCN4 gene. This alteration results from a G to A substitution at nucleotide position 1906, causing the valine (V) at amino acid position 636 to be replaced by a methionine (M). This variant was not reported in population-based cohorts in the Genome Aggregation Database (gnomAD). This variant was reported in an individual with features consistent with Raynaud-Claes syndrome (Palmer, 2023). This amino acid position is highly conserved in available vertebrate species. In an assay testing CLCN4 function, this variant showed a functionally abnormal result (Palmer, 2023). This alteration is predicted to be deleterious by in silico analysis. Based on insufficient or conflicting evidence, the clinical significance of this alteration remains unclear.

Laboratory of Molecular Genetics (Pr. Bezieau's lab), CHU de Nantes
Classification: Uncertain significance for Neurodevelopmental disorder. Last evaluated: 2020-12-10. Review status: criteria provided, single submitter. Criteria: ACMG Guidelines, 2015. Collection method: clinical testing. Allele origin: germline. Affected: yes.

Literature cited by the submitters: PubMed 36385166 (cited by Ambry Genetics).